The following is an entry in ClinVar:

NM_001173464.2(KIF21A):c.4009C>A (p.Leu1337Ile)

Gene: KIF21A (kinesin family member 21A; minus strand). Cytogenetic location: 12q12.
Variant type: single nucleotide variant.
Coding change: c.4009C>A on transcript NM_001173464.2 (MANE Select); coding-DNA position 4009, C replaced by A.
Protein change: p.Leu1337Ile; replaces leucine 1337 with isoleucine.
Molecular consequence: missense variant.
Genome position (GRCh38, 1-based): chr12:39,311,504, G>T on the plus strand (C>A on the coding strand, the complement: KIF21A is on the minus strand). VCF-style: chr12-39311504-G-T. GRCh37 (hg19) VCF-style: chr12-39705306-G-T.
Other names: c.3898C>A, p.Leu1300Ile (NM_001173463.2); c.3850C>A, p.Leu1284Ile (NM_001173465.2); c.4012C>A, p.Leu1338Ile (NM_001378439.1); c.3997C>A, p.Leu1333Ile (NM_001378440.1); c.3973C>A, p.Leu1325Ile (NM_001378441.1); c.3970C>A, p.Leu1324Ile (NM_017641.4); short protein forms L1284I, L1300I, L1324I, L1325I, L1333I, L1337I, L1338I.
Identifiers: ClinVar variation 1303854 (VCV001303854.2), dbSNP rs931031780, ClinGen allele CA235282724.

ClinVar aggregate classification (germline): Uncertain significance (1 of 4 stars; one submission).

Allele frequency attached by ClinVar (database versions not stated): gnomAD 0.00001.
gnomAD v4.1: 3 of 1,613,060 alleles (0.00019%); highest among the groups gnomAD compares: Non-Finnish European, 0.00025%; no homozygotes.

Submission:

GeneDx
Classification: Uncertain significance. Last evaluated: 2019-12-19. Review status: criteria provided, single submitter. Criteria: GeneDx Variant Classification Process June 2021. Collection method: clinical testing. Allele origin: germline. Affected: yes.
Comment: In silico analysis, which includes protein predictors and evolutionary conservation, supports that this variant does not alter protein structure/function; Has not been previously published as pathogenic or benign to our knowledge